The following is an entry in ClinVar:

ClinVar aggregate classification (germline): Uncertain significance (1 of 4 stars; one submission).

Conditions:
Primary ciliary dyskinesia. Also called: Ciliary dyskinesia. Identifiers: Orphanet 244, MedGen C0008780, MONDO:0016575, HP:0012265.

Allele frequency attached by ClinVar (database versions not stated): gnomAD exomes 0.00001; ExAC 0.00002; TOPMed 0.00003; gnomAD 0.00004 and 0.00005; 1000 Genomes Project 0.00040; 1000 Genomes Project 30x 0.00047.
gnomAD v4.1: 12 of 1,578,118 alleles (0.00076%); highest among the groups gnomAD compares: African/African-American, 0.015%; no homozygotes.

Submission:

Labcorp Genetics (formerly Invitae), Labcorp
Classification: Uncertain significance for Primary ciliary dyskinesia. Last evaluated: 2023-10-03. Review status: criteria provided, single submitter. Criteria: Invitae Variant Classification Sherloc (09022015). Collection method: clinical testing. Allele origin: germline.
Comment: This sequence change replaces histidine, which is basic and polar, with glutamine, which is neutral and polar, at codon 1042 of the DNAH8 protein (p.His1042Gln). This variant is present in population databases (rs190247264, gnomAD 0.01%). This variant has not been reported in the literature in individuals affected with DNAH8-related conditions. ClinVar contains an entry for this variant (Variation ID: 1000877). Experimental studies and prediction algorithms are not available or were not evaluated, and the functional significance of this variant is currently unknown. In summary, the available evidence is currently insufficient to determine the role of this variant in disease. Therefore, it has been classified as a Variant of Uncertain Significance.

NM_001206927.2(DNAH8):c.3126T>G (p.His1042Gln)

Gene: DNAH8 (dynein axonemal heavy chain 8; plus strand). Cytogenetic location: 6p21.2.
Variant type: single nucleotide variant.
Coding change: c.3126T>G on transcript NM_001206927.2 (MANE Select); coding-DNA position 3126, T replaced by G.
Protein change: p.His1042Gln; replaces histidine 1042 with glutamine.
Molecular consequence: missense variant.
Genome position (GRCh38, 1-based): chr6:38,805,572, T>G. VCF-style: chr6-38805572-T-G. GRCh37 (hg19) VCF-style: chr6-38773348-T-G.
Other names: c.2475T>G, p.His825Gln (NM_001371.4); short protein forms H1042Q, H825Q.
Identifiers: ClinVar variation 1000877 (VCV001000877.7), dbSNP rs190247264, ClinGen allele CA3788727.